The following is an entry in ClinVar:

NM_007262.5(PARK7):c.494C>T (p.Ala165Val)

Gene: PARK7 (Parkinsonism associated deglycase; plus strand). Cytogenetic location: 1p36.23.
Variant type: single nucleotide variant.
Coding change: c.494C>T on transcript NM_007262.5 (MANE Select); coding-DNA position 494, C replaced by T.
Protein change: p.Ala165Val; replaces alanine 165 with valine.
Molecular consequence: missense variant.
Genome position (GRCh38, 1-based): chr1:7,984,978, C>T. VCF-style: chr1-7984978-C-T. GRCh37 (hg19) VCF-style: chr1-8045038-C-T.
Other names: c.494C>T, p.Ala165Val (NM_001123377.2); short protein forms A165V.
Identifiers: ClinVar variation 2055014 (VCV002055014.4), dbSNP rs371514726, ClinGen allele CA569636.

ClinVar aggregate classification (germline): Uncertain significance (1 of 4 stars; one submission).

Conditions:
Autosomal recessive early-onset Parkinson disease 7. Identifiers: Orphanet 2828, MedGen C1853445, MONDO:0011658, OMIM 606324.

Allele frequency attached by ClinVar (database versions not stated): gnomAD exomes below 0.00001; gnomAD 0.00001; TOPMed 0.00001; ExAC 0.00002; ESP Exome Variant Server 0.00015.
gnomAD v4.1: 5 of 1,614,066 alleles (0.00031%); highest among the groups gnomAD compares: Admixed American, 0.0017%; no homozygotes.

Submission:

Labcorp Genetics (formerly Invitae), Labcorp
Classification: Uncertain significance for Autosomal recessive early-onset Parkinson disease 7. Last evaluated: 2022-06-29. Review status: criteria provided, single submitter. Criteria: Invitae Variant Classification Sherloc (09022015). Collection method: clinical testing. Allele origin: germline.
Comment: This sequence change replaces alanine, which is neutral and non-polar, with valine, which is neutral and non-polar, at codon 165 of the PARK7 protein (p.Ala165Val). This variant is present in population databases (rs371514726, gnomAD 0.007%). This variant has not been reported in the literature in individuals affected with PARK7-related conditions. Algorithms developed to predict the effect of missense changes on protein structure and function are either unavailable or do not agree on the potential impact of this missense change (SIFT: "Tolerated"; PolyPhen-2: "Possibly Damaging"; Align-GVGD: "Class C0"). In summary, the available evidence is currently insufficient to determine the role of this variant in disease. Therefore, it has been classified as a Variant of Uncertain Significance.